The following is an entry in ClinVar:

NM_052947.4(ALPK2):c.3315C>A (p.Asn1105Lys)

Gene: ALPK2 (alpha kinase 2; minus strand). Cytogenetic location: 18q21.31.
Variant type: single nucleotide variant.
Coding change: c.3315C>A on transcript NM_052947.4 (MANE Select); coding-DNA position 3315, C replaced by A.
Protein change: p.Asn1105Lys; replaces asparagine 1105 with lysine.
Molecular consequence: missense variant.
Genome position (GRCh38, 1-based): chr18:58,536,872, G>T on the plus strand (C>A on the coding strand, the complement: ALPK2 is on the minus strand). VCF-style: chr18-58536872-G-T. GRCh37 (hg19) VCF-style: chr18-56204104-G-T.
Other names: short protein forms N1105K.
Identifiers: ClinVar variation 3228684 (VCV003228684.1), dbSNP rs2051652081, ClinGen allele CA402568645.

ClinVar aggregate classification (germline): Uncertain significance (1 of 4 stars; one submission).

gnomAD v4.1: 2 of 1,614,152 alleles (0.00012%); highest among the groups gnomAD compares: South Asian, 0.0011%; no homozygotes.

Submission:

Ambry Genetics
Classification: Uncertain significance. Last evaluated: 2023-10-15. Review status: criteria provided, single submitter. Criteria: Ambry Variant Classification Scheme 2023. Collection method: clinical testing. Allele origin: germline.
Comment: The p.N1105K variant (also known as c.3315C>A), located in coding exon 4 of the ALPK2 gene, results from a C to A substitution at nucleotide position 3315. The asparagine at codon 1105 is replaced by lysine, an amino acid with similar properties. This amino acid position is conserved. In addition, this alteration is predicted to be tolerated by in silico analysis. Since supporting evidence is limited at this time, the clinical significance of this alteration remains unclear.